The following is an entry in ClinVar:

NM_020975.6(RET):c.2188C>G (p.Leu730Val)

Gene: RET (ret proto-oncogene; plus strand). Cytogenetic location: 10q11.21.
Variant type: single nucleotide variant.
Coding change: c.2188C>G on transcript NM_020975.6 (MANE Select); coding-DNA position 2188, C replaced by G.
Protein change: p.Leu730Val; replaces leucine 730 with valine.
Molecular consequence: missense variant.
Genome position (GRCh38, 1-based): chr10:43,116,635, C>G. VCF-style: chr10-43116635-C-G. GRCh37 (hg19) VCF-style: chr10-43612083-C-G.
Other names: c.2188C>G, p.Leu730Val (NM_000323.2, NM_001406743.1, NM_001406744.1 and 4 more transcripts); c.1426C>G, p.Leu476Val (NM_001355216.2); c.1750C>G, p.Leu584Val (NM_001406771.1, NM_001406773.1); c.1792C>G, p.Leu598Val (NM_001406772.1, NM_001406769.1); c.1663C>G, p.Leu555Val (NM_001406774.1); c.1462C>G, p.Leu488Val (NM_001406775.1, NM_001406776.1, NM_001406777.1 and 1 more transcripts); c.1291C>G, p.Leu431Val (NM_001406779.1, NM_001406780.1, NM_001406781.1 and 1 more transcripts); c.1003C>G, p.Leu335Val (NM_001406790.1, NM_001406788.1, NM_001406789.1); and 10 more; short protein forms L476V, L730V, L247V, L295V, L685V, L431V, L488V, L555V.
Identifiers: ClinVar variation 943106 (VCV000943106.13), dbSNP rs1838076782, ClinGen allele CA376554397.

ClinVar aggregate classification (germline): Uncertain significance. Review status: criteria provided, multiple submitters, no conflicts (2 of 4 stars). 3 submissions from 3 submitters: Uncertain significance (3). Last evaluated 2026-02-16.

Conditions:
Multiple endocrine neoplasia, type 2 (MEN2). Identifiers: Orphanet 653, MedGen C4048306, MONDO:0019003. Disease mechanism: gain of function.
Hereditary cancer-predisposing syndrome. Also called: Hereditary neoplastic syndrome; Neoplastic Syndromes, Hereditary; Hereditary Cancer Syndrome; Tumor predisposition. Identifiers: Orphanet 140162, MedGen C0027672, MeSH D009386, MONDO:0015356.

Submissions (3):

Dasa
Classification: Uncertain significance. Last evaluated: 2026-02-16. Review status: criteria provided, single submitter. Criteria: DASA Assertion Criteria. Collection method: clinical testing. Allele origin: germline.
Comment: NM_020975.6(RET):c.2188C>G (p.Leu730Val) is a missense variant that results in the substitution of leucine with valine. This variant is absent from population databases. Computational prediction algorithms are consistent with a deleterious effect. The currently available literature and clinical evidence are not sufficient to establish a definitive association between this variant and the reported condition. Therefore, this variant is classified as a variant of uncertain significance.

Labcorp Genetics (formerly Invitae), Labcorp
Classification: Uncertain significance for Multiple endocrine neoplasia, type 2. Last evaluated: 2025-05-05. Review status: criteria provided, single submitter. Criteria: Invitae Variant Classification Sherloc (09022015). Collection method: clinical testing. Allele origin: germline.
Comment: This sequence change replaces leucine, which is neutral and non-polar, with valine, which is neutral and non-polar, at codon 730 of the RET protein (p.Leu730Val). This variant is not present in population databases (gnomAD no frequency). This variant has not been reported in the literature in individuals affected with RET-related conditions. ClinVar contains an entry for this variant (Variation ID: 943106). An algorithm developed to predict the effect of missense changes on protein structure and function (PolyPhen-2) suggests that this variant is likely to be disruptive. In summary, the available evidence is currently insufficient to determine the role of this variant in disease. Therefore, it has been classified as a Variant of Uncertain Significance.

Ambry Genetics
Classification: Uncertain significance for Hereditary cancer-predisposing syndrome. Last evaluated: 2023-10-27. Review status: criteria provided, single submitter. Criteria: Ambry Variant Classification Scheme 2023. Collection method: clinical testing. Allele origin: germline.
Comment: The p.L730V variant (also known as c.2188C>G), located in coding exon 12 of the RET gene, results from a C to G substitution at nucleotide position 2188. The leucine at codon 730 is replaced by valine, an amino acid with highly similar properties. This amino acid position is highly conserved in available vertebrate species. In addition, this alteration is predicted to be deleterious by in silico analysis. Since supporting evidence is limited at this time, the clinical significance of this alteration remains unclear.